The following is an entry in ClinVar:

NM_001267550.2(TTN):c.48853A>C (p.Lys16285Gln)

Genes: TTN (titin; minus strand), TTN-AS1 (TTN antisense RNA 1; plus strand), LOC126806426 (BRD4-independent group 4 enhancer GRCh37_chr2:179478848-179480047; plus strand). Cytogenetic location: 2q31.2.
Variant type: single nucleotide variant.
Coding change: c.48853A>C on transcript NM_001267550.2 (MANE Select); coding-DNA position 48853, A replaced by C.
Protein change: p.Lys16285Gln; replaces lysine 16285 with glutamine.
Molecular consequence: missense variant. On other transcripts: non-coding transcript variant (1).
Genome position (GRCh38, 1-based): chr2:178,614,661, T>G on the plus strand (A>C on the coding strand, the complement: TTN is on the minus strand). VCF-style: chr2-178614661-T-G. GRCh37 (hg19) VCF-style: chr2-179479388-T-G.
Other names: c.43930A>C, p.Lys14644Gln (NM_001256850.1); c.21658A>C, p.Lys7220Gln (NM_003319.4); c.41149A>C, p.Lys13717Gln (NM_133378.4); c.22033A>C, p.Lys7345Gln (NM_133432.3); c.22234A>C, p.Lys7412Gln (NM_133437.4); short protein forms K13717Q, K14644Q, K16285Q, K7220Q, K7345Q, K7412Q.
Identifiers: ClinVar variation 1192282 (VCV001192282.1), dbSNP rs780017546, ClinGen allele CA1994733.

ClinVar aggregate classification (germline): Uncertain significance (1 of 4 stars; one submission).

Allele frequency attached by ClinVar (database versions not stated): gnomAD exomes 0.00001 and 0.00003; ExAC 0.00002; TOPMed 0.00002; gnomAD 0.00003.
gnomAD v4.1: 18 of 1,612,286 alleles (0.0011%); highest among the groups gnomAD compares: Non-Finnish European, 0.00034%; no homozygotes.

Submission:

Women's Health and Genetics/Laboratory Corporation of America, LabCorp
Classification: Uncertain significance. Last evaluated: 2021-07-19. Review status: criteria provided, single submitter. Criteria: LabCorp Variant Classification Summary - May 2015. Collection method: clinical testing. Allele origin: germline.
Comment: Variant summary: TTN c.41149A>C (p.Lys13717Gln) results in a conservative amino acid change located in the A-band of the encoded protein sequence. Three of five in-silico tools predict a damaging effect of the variant on protein function. The variant allele was found at a frequency of 2.8e-05 in 247496 control chromosomes (gnomAD). The available data on variant occurrences in the general population are insufficient to allow any conclusion about variant significance. To our knowledge, no occurrence of c.41149A>C in individuals affected with Dilated Cardiomyopathy and no experimental evidence demonstrating its impact on protein function have been reported. No clinical diagnostic laboratories have submitted clinical-significance assessments for this variant to ClinVar after 2014. Based on the evidence outlined above, the variant was classified as uncertain significance.